The following is an entry in ClinVar:

ClinVar aggregate classification (germline): Uncertain significance. Review status: criteria provided, multiple submitters, no conflicts (2 of 4 stars). 2 submissions from 2 submitters: Uncertain significance (2). Last evaluated 2022-11-01.

Conditions:
Retinitis pigmentosa (RP). Identifiers: Orphanet 791, MedGen C0035334, MeSH D012174, MONDO:0019200, OMIM 268000. Inheritance: Autosomal dominant, autosomal recessive and X linked inheritance.
Autosomal recessive retinitis pigmentosa. Identifiers: MedGen C0339526.
Short-rib thoracic dysplasia 19 with or without polydactyly. Identifiers: MedGen C4693524, MONDO:0033485, OMIM 617895.

Allele frequency attached by ClinVar (database versions not stated): gnomAD exomes 0.00009; ExAC 0.00011; TOPMed 0.00011; ESP Exome Variant Server 0.00015.
gnomAD v4.1: 112 of 1,557,114 alleles (0.0072%); highest among the groups gnomAD compares: Middle Eastern, 0.05%; no homozygotes.

Submissions (2):

Labcorp Genetics (formerly Invitae), Labcorp
Classification: Uncertain significance. Last evaluated: 2022-11-01. Review status: criteria provided, single submitter. Criteria: Invitae Variant Classification Sherloc (09022015). Collection method: clinical testing. Allele origin: germline.
Comment: This sequence change replaces histidine, which is basic and polar, with leucine, which is neutral and non-polar, at codon 306 of the IFT81 protein (p.His306Leu). This variant is present in population databases (rs137970540, gnomAD 0.01%). This variant has not been reported in the literature in individuals affected with IFT81-related conditions. ClinVar contains an entry for this variant (Variation ID: 963152). Advanced modeling of protein sequence and biophysical properties (such as structural, functional, and spatial information, amino acid conservation, physicochemical variation, residue mobility, and thermodynamic stability) performed at Invitae indicates that this missense variant is not expected to disrupt IFT81 protein function. In summary, the available evidence is currently insufficient to determine the role of this variant in disease. Therefore, it has been classified as a Variant of Uncertain Significance.

Breakthrough Genomics
Classification: Uncertain significance. Review status: criteria provided, single submitter. Criteria: ACMG Guidelines, 2015. Collection method: not provided. Allele origin: germline. Inheritance: Autosomal recessive inheritance. Affected: yes.

NM_014055.4(IFT81):c.917A>T (p.His306Leu)

Gene: IFT81 (intraflagellar transport 81; plus strand). Cytogenetic location: 12q24.11.
Variant type: single nucleotide variant.
Coding change: c.917A>T on transcript NM_014055.4 (MANE Select); coding-DNA position 917, A replaced by T.
Protein change: p.His306Leu; replaces histidine 306 with leucine.
Molecular consequence: missense variant. On other transcripts: non-coding transcript variant (3), intron variant (2).
Genome position (GRCh38, 1-based): chr12:110,143,517, A>T. VCF-style: chr12-110143517-A-T. GRCh37 (hg19) VCF-style: chr12-110581322-A-T.
Other names: c.917A>T, p.His306Leu (NM_001143779.2, NM_001347946.2, NM_031473.4); c.16-3436A>T (NM_001347948.2, NM_001347947.2); short protein forms H306L.
Identifiers: ClinVar variation 963152 (VCV000963152.6), dbSNP rs137970540, ClinGen allele CA6783213.